The following is an entry in ClinVar:

ClinVar aggregate classification (germline): Likely benign. Review status: criteria provided, multiple submitters, no conflicts (2 of 4 stars). 3 submissions from 3 submitters: Likely benign (2). 1 of the submissions does not count toward it. Last evaluated 2025-11-18.

Conditions:
ASAH1-related disorders. Also called: ASAH1-related condition; ASAH1-related disorder. Identifiers: MedGen CN376120, MONDO:0800460.

Allele frequency attached by ClinVar (database versions not stated): gnomAD 0.00001; gnomAD exomes 0.00001; TOPMed 0.00002; ESP Exome Variant Server 0.00008.
gnomAD v4.1: 14 of 1,614,132 alleles (0.00087%); highest among the groups gnomAD compares: Non-Finnish European, 0.0012%; no homozygotes.

Submissions (3):

Labcorp Genetics (formerly Invitae), Labcorp
Classification: Likely benign. Last evaluated: 2025-11-18. Review status: criteria provided, single submitter. Criteria: Invitae Variant Classification Sherloc (09022015). Collection method: clinical testing. Allele origin: germline.

Mayo Clinic Laboratories, Mayo Clinic
Classification: Likely benign. Last evaluated: 2025-01-31. Review status: criteria provided, single submitter. Criteria: ACMG Guidelines, 2015. Collection method: clinical testing. Allele origin: germline. Observed: 1 variant allele.
Comment: BP4, BP7

PreventionGenetics, part of Exact Sciences
Classification: Likely benign for ASAH1-related condition. Last evaluated: 2019-04-29. Review status: no assertion criteria provided. Collection method: clinical testing. Allele origin: germline. Not counted in ClinVar's aggregate classification.
Comment: This variant is classified as likely benign based on ACMG/AMP sequence variant interpretation guidelines (Richards et al. 2015 PMID: 25741868, with internal and published modifications).

NM_177924.5(ASAH1):c.903A>C (p.Ser301=)

Gene: ASAH1 (N-acylsphingosine amidohydrolase 1; minus strand). Cytogenetic location: 8p22.
Variant type: single nucleotide variant.
Coding change: c.903A>C on transcript NM_177924.5 (MANE Select); coding-DNA position 903, A replaced by C.
Protein change: p.Ser301=; no amino-acid change (serine 301 retained).
Molecular consequence: synonymous variant.
Genome position (GRCh38, 1-based): chr8:18,059,586, T>G on the plus strand (A>C on the coding strand, the complement: ASAH1 is on the minus strand). VCF-style: chr8-18059586-T-G. GRCh37 (hg19) VCF-style: chr8-17917095-T-G.
Other names: p.Ser301=; c.951A>C (NM_004315.5); c.885A>C, p.Ser295= (NM_001127505.3); c.708A>C, p.Ser236= (NM_001363743.2); c.951A>C, p.Ser317= (NM_004315.6).
Identifiers: ClinVar variation 1588830 (VCV001588830.11), dbSNP rs200565354, ClinGen allele CA173140306.